The following is an entry in ClinVar:

NM_006005.3(WFS1):c.125G>T (p.Arg42Leu)

Gene: WFS1 (wolframin ER transmembrane glycoprotein; plus strand). Cytogenetic location: 4p16.1.
Variant type: single nucleotide variant.
Coding change: c.125G>T on transcript NM_006005.3 (MANE Select); coding-DNA position 125, G replaced by T.
Protein change: p.Arg42Leu; replaces arginine 42 with leucine.
Molecular consequence: missense variant.
Genome position (GRCh38, 1-based): chr4:6,277,580, G>T. VCF-style: chr4-6277580-G-T. GRCh37 (hg19) VCF-style: chr4-6279307-G-T.
Other names: c.125G>T, p.Arg42Leu (NM_001145853.1); short protein forms R42L.
Identifiers: ClinVar variation 2987526 (VCV002987526.3), dbSNP rs750806151, ClinGen allele CA356169691.

ClinVar aggregate classification (germline): Uncertain significance (1 of 4 stars; one submission).

gnomAD v4.1: 3 of 1,583,248 alleles (0.00019%); highest among the groups gnomAD compares: East Asian, 0.0069%; no homozygotes.

Submission:

Labcorp Genetics (formerly Invitae), Labcorp
Classification: Uncertain significance. Last evaluated: 2024-09-22. Review status: criteria provided, single submitter. Criteria: Invitae Variant Classification Sherloc (09022015). Collection method: clinical testing. Allele origin: germline.
Comment: This sequence change replaces arginine, which is basic and polar, with leucine, which is neutral and non-polar, at codon 42 of the WFS1 protein (p.Arg42Leu). This variant is not present in population databases (gnomAD no frequency). This variant has not been reported in the literature in individuals affected with WFS1-related conditions. Invitae Evidence Modeling of protein sequence and biophysical properties (such as structural, functional, and spatial information, amino acid conservation, physicochemical variation, residue mobility, and thermodynamic stability) indicates that this missense variant is not expected to disrupt WFS1 protein function with a negative predictive value of 95%. In summary, the available evidence is currently insufficient to determine the role of this variant in disease. Therefore, it has been classified as a Variant of Uncertain Significance.